The following is an entry in ClinVar:

NM_017802.4(DNAAF5):c.1856C>T (p.Pro619Leu)

Gene: DNAAF5 (dynein axonemal assembly factor 5; plus strand). Cytogenetic location: 7p22.3.
Variant type: single nucleotide variant.
Coding change: c.1856C>T on transcript NM_017802.4 (MANE Select); coding-DNA position 1856, C replaced by T.
Protein change: p.Pro619Leu; replaces proline 619 with leucine.
Molecular consequence: missense variant. On other transcripts: non-coding transcript variant (1).
Genome position (GRCh38, 1-based): chr7:770,543, C>T. VCF-style: chr7-770543-C-T. GRCh37 (hg19) VCF-style: chr7-810180-C-T.
Other names: short protein forms P619L.
Identifiers: ClinVar variation 525305 (VCV000525305.14), dbSNP rs755871359, ClinGen allele CA4110954.

ClinVar aggregate classification (germline): Uncertain significance. Review status: criteria provided, multiple submitters, no conflicts (2 of 4 stars). 3 submissions from 3 submitters: Uncertain significance (3). Last evaluated 2024-05-14.

Conditions:
Primary ciliary dyskinesia 18. Also called: CILIARY DYSKINESIA, PRIMARY, 18, WITH OR WITHOUT SITUS INVERSUS. Identifiers: Orphanet 244, MedGen C3543825, MONDO:0013940, OMIM 614874.
Primary ciliary dyskinesia. Also called: Ciliary dyskinesia. Identifiers: Orphanet 244, MedGen C0008780, MONDO:0016575, HP:0012265.

Allele frequency attached by ClinVar (database versions not stated): gnomAD exomes 0.00002 and 0.00005; ExAC 0.00003; gnomAD 0.00003; TOPMed 0.00006.
gnomAD v4.1: 81 of 1,613,844 alleles (0.005%); highest among the groups gnomAD compares: Admixed American, 0.01%; no homozygotes.

Submissions (3):

Labcorp Genetics (formerly Invitae), Labcorp
Classification: Uncertain significance for Primary ciliary dyskinesia. Last evaluated: 2024-05-14. Review status: criteria provided, single submitter. Criteria: Invitae Variant Classification Sherloc (09022015). Collection method: clinical testing. Allele origin: germline.
Comment: This sequence change replaces proline, which is neutral and non-polar, with leucine, which is neutral and non-polar, at codon 619 of the DNAAF5 protein (p.Pro619Leu). This variant is present in population databases (rs755871359, gnomAD 0.01%). This variant has not been reported in the literature in individuals affected with DNAAF5-related conditions. ClinVar contains an entry for this variant (Variation ID: 525305). Advanced modeling of protein sequence and biophysical properties (such as structural, functional, and spatial information, amino acid conservation, physicochemical variation, residue mobility, and thermodynamic stability) performed at Invitae indicates that this missense variant is expected to disrupt DNAAF5 protein function with a positive predictive value of 80%. In summary, the available evidence is currently insufficient to determine the role of this variant in disease. Therefore, it has been classified as a Variant of Uncertain Significance.

Ambry Genetics
Classification: Uncertain significance for Primary ciliary dyskinesia. Last evaluated: 2022-07-17. Review status: criteria provided, single submitter. Criteria: Ambry Variant Classification Scheme 2023. Collection method: clinical testing. Allele origin: germline.
Comment: The p.P619L variant (also known as c.1856C>T), located in coding exon 9 of the DNAAF5 gene, results from a C to T substitution at nucleotide position 1856. The proline at codon 619 is replaced by leucine, an amino acid with similar properties. This amino acid position is conserved. In addition, the in silico prediction for this alteration is inconclusive. Since supporting evidence is limited at this time, the clinical significance of this alteration remains unclear.

Fulgent Genetics
Classification: Uncertain significance for Primary ciliary dyskinesia 18. Last evaluated: 2021-10-26. Review status: criteria provided, single submitter. Criteria: ACMG Guidelines, 2015. Collection method: clinical testing. Allele origin: unknown.